The following is an entry in ClinVar:

NM_007294.4(BRCA1):c.5330C>T (p.Thr1777Ile)

Gene: BRCA1 (BRCA1 DNA repair associated; minus strand). Cytogenetic location: 17q21.31.
Variant type: single nucleotide variant.
Coding change: c.5330C>T on transcript NM_007294.4 (MANE Select); coding-DNA position 5330, C replaced by T.
Protein change: p.Thr1777Ile; replaces threonine 1777 with isoleucine.
Molecular consequence: missense variant. On other transcripts: non-coding transcript variant (1).
Genome position (GRCh38, 1-based): chr17:43,051,065, G>A on the plus strand (C>T on the coding strand, the complement: BRCA1 is on the minus strand). VCF-style: chr17-43051065-G-A. GRCh37 (hg19) VCF-style: chr17-41203082-G-A.
Other names: 5449C>T; c.5117C>T, p.Thr1706Ile (NM_001407571.1, NM_001407902.1, NM_001407904.1 and 12 more transcripts); c.5396C>T, p.Thr1799Ile (NM_001407581.1, NM_001407582.1); c.5393C>T, p.Thr1798Ile (NM_001407583.1, NM_001407585.1, NM_001407587.1 and 1 more transcripts); c.5390C>T, p.Thr1797Ile (NM_001407590.1, NM_001407591.1); c.5330C>T, p.Thr1777Ile (NM_001407593.1, NM_001407594.1, NM_001407596.1 and 6 more transcripts); c.5327C>T, p.Thr1776Ile (NM_001407620.1, NM_001407621.1, NM_001407622.1 and 17 more transcripts); c.5324C>T, p.Thr1775Ile (NM_001407627.1, NM_001407628.1, NM_001407639.1 and 14 more transcripts); and 73 more; short protein forms T1777I, T1798I, T1730I, T673I, T1481I, T1623I, T1649I, T1664I.
Identifiers: ClinVar variation 91648 (VCV000091648.12), dbSNP rs398122696, ClinGen allele CA003481.

ClinVar aggregate classification (germline): Uncertain significance. Review status: criteria provided, single submitter (1 of 4 stars). 2 submissions from 2 submitters: Uncertain significance (1). 1 of the submissions does not count toward it. Last evaluated 2024-06-10.

Conditions:
Breast-ovarian cancer, familial, susceptibility to, 1 (BROVCA1). Also called: BRCA1 Hereditary Breast and Ovarian Cancer; OVARIAN CANCER, SUSCEPTIBILITY TO. Identifiers: Orphanet 145, MedGen C2676676, MONDO:0011450, OMIM 604370. Disease mechanism: loss of function.
Hereditary breast ovarian cancer syndrome. Also called: BRCA1- and BRCA2-Associated Hereditary Breast and Ovarian Cancer; Hereditary breast and ovarian cancer syndrome; Hereditary breast and ovarian cancer syndrome (HBOC); Breast and ovarian cancer; Hereditary breast and/or ovarian cancer syndrome; Hereditary breast and ovarian cancer. Identifiers: Orphanet 145, MedGen C0677776, MeSH D061325, MONDO:0003582. Disease mechanism: loss of function.

Submissions (3):

Labcorp Genetics (formerly Invitae), Labcorp
Classification: Uncertain significance for Hereditary breast ovarian cancer syndrome. Last evaluated: 2024-06-10. Review status: criteria provided, single submitter. Criteria: Invitae Variant Classification Sherloc (09022015). Collection method: clinical testing. Allele origin: germline.
Comment: This sequence change replaces threonine, which is neutral and polar, with isoleucine, which is neutral and non-polar, at codon 1777 of the BRCA1 protein (p.Thr1777Ile). This variant is not present in population databases (gnomAD no frequency). This missense change has been observed in individual(s) with ovarian cancer (PMID: 32211327). ClinVar contains an entry for this variant (Variation ID: 91648). An algorithm developed to predict the effect of missense changes on protein structure and function (PolyPhen-2) suggests that this variant is likely to be tolerated. Experimental studies have shown that this missense change does not substantially affect BRCA1 function (PMID: 30209399). In summary, the available evidence is currently insufficient to determine the role of this variant in disease. Therefore, it has been classified as a Variant of Uncertain Significance.

Sharing Clinical Reports Project (SCRP)
Classification: Uncertain significance for Breast-ovarian cancer, familial 1. Last evaluated: 2010-04-28. Review status: no assertion criteria provided. Collection method: clinical testing. Allele origin: germline. Not counted in ClinVar's aggregate classification.

Brotman Baty Institute, University of Washington
No classification provided (evidence only). Condition: Breast-ovarian cancer, familial 1. Review status: no classification provided. Collection method: in vitro. Allele origin: not applicable. Functional consequence: functionally_normal. Not counted in ClinVar's aggregate classification.
ClinVar note: "not provided" was previously submitted as the classification for the variant. However, the classification appeared to be based only on an observation of functional data so it was converted to no classification on 2025-07-30.

Literature cited by the submitters: PubMed 32211327 (cited by Labcorp Genetics (formerly Invitae), Labcorp); PubMed 30209399 (cited by Labcorp Genetics (formerly Invitae), Labcorp).